The following is an entry in ClinVar:

NM_001035.3(RYR2):c.284_285delinsCT (p.Val95Ala)

Gene: RYR2 (ryanodine receptor 2; plus strand). Cytogenetic location: 1q43.
Variant type: Indel.
Coding change: c.284_285delinsCT on transcript NM_001035.3 (MANE Select); coding-DNA positions 284 to 285, TG replaced by CT.
Protein change: p.Val95Ala; replaces valine 95 with alanine.
Molecular consequence: missense variant.
Genome position (GRCh38, 1-based): chr1:237,355,975-237,355,976, TG replaced by CT. VCF-style: chr1-237355975-TG-CT. GRCh37 (hg19) VCF-style: chr1-237519275-TG-CT.
Other names: short protein forms V95A.
Identifiers: ClinVar variation 4759077 (VCV004759077.1).
Genomic context (GRCh38, chr1:237,355,975, plus strand): 5'-TGCTAGGTATTTGTTTGTTTGTTATTTATTTTGGCTTTTTCTTTCCACAGCAAGTTGATG[TG>CT]GAAAAATGGGTATGTGTTTCCATGTATTTGCAAAGAAATTGTGATCTAAAAGTGCATGCT-3'
Protein context (NP_001026.2, residues 85-105): TVEKSEGQVD[Val95Ala]EKWKFMMKTA

ClinVar aggregate classification (germline): Uncertain significance (1 of 4 stars; one submission).

Conditions:
Cardiomyopathy (CMYO). Also called: Cardiomyopathies. Identifiers: Orphanet 167848, MedGen C0878544, MONDO:0004994, HP:0001638. Inheritance: Various modes of inheritance.

Submission:

Color Diagnostics, LLC DBA Color Health
Classification: Uncertain significance for Cardiomyopathy. Last evaluated: 2025-07-20. Review status: criteria provided, single submitter. Criteria: ACMG Guidelines, 2015. Collection method: clinical testing. Allele origin: germline.
Comment: This missense variant replaces valine with alanine at codon 95 of the RYR2 protein. To our knowledge, functional studies have not been reported for this variant. This variant has not been reported in individuals affected with RYR2-related disorders in the literature. This variant has not been identified in the general population by the Genome Aggregation Database (gnomAD). The available evidence is insufficient to determine the role of this variant in disease conclusively. Therefore, this variant is classified as a Variant of Uncertain Significance.